The following is an entry in ClinVar:

NM_001378418.1(TCF20):c.4113C>G (p.Asn1371Lys)

Gene: TCF20 (transcription factor 20; minus strand). Cytogenetic location: 22q13.2.
Variant type: single nucleotide variant.
Coding change: c.4113C>G on transcript NM_001378418.1 (MANE Select); coding-DNA position 4113, C replaced by G.
Protein change: p.Asn1371Lys; replaces asparagine 1371 with lysine.
Molecular consequence: missense variant.
Genome position (GRCh38, 1-based): chr22:42,211,193, G>C on the plus strand (C>G on the coding strand, the complement: TCF20 is on the minus strand). VCF-style: chr22-42211193-G-C. GRCh37 (hg19) VCF-style: chr22-42607199-G-C.
Other names: c.4113C>G, p.Asn1371Lys (NM_005650.4, NM_181492.3); short protein forms N1371K.
Identifiers: ClinVar variation 1804283 (VCV001804283.2), dbSNP rs2518209481, ClinGen allele CA411785016.

ClinVar aggregate classification (germline): Uncertain significance (1 of 4 stars; one submission).

Submission:

GeneDx
Classification: Uncertain significance. Last evaluated: 2024-10-24. Review status: criteria provided, single submitter. Criteria: GeneDx Variant Classification Process June 2021. Collection method: clinical testing. Allele origin: germline.
Comment: Not observed at significant frequency in large population cohorts (gnomAD); In silico analysis indicates that this missense variant does not alter protein structure/function; Has not been previously published as pathogenic or benign to our knowledge